The following is an entry in ClinVar:

ClinVar aggregate classification (germline): Conflicting classifications of pathogenicity. Review status: criteria provided, conflicting classifications (1 of 4 stars). 3 submissions from 3 submitters: Uncertain significance (2); Likely benign (1). Last evaluated 2026-07-22.

Conditions:
Hereditary cancer-predisposing syndrome. Also called: Tumor predisposition; Hereditary Cancer Syndrome; Hereditary neoplastic syndrome; Neoplastic Syndromes, Hereditary. Identifiers: Orphanet 140162, MedGen C0027672, MeSH D009386, MONDO:0015356.

Submissions (3):

Ambry Genetics
Classification: Uncertain significance for Hereditary cancer-predisposing syndrome. Last evaluated: 2026-07-22. Review status: criteria provided, single submitter. Criteria: Ambry Variant Classification Scheme 2023. Collection method: clinical testing. Allele origin: germline.
Comment: The p.S1262A variant (also known as c.3784T>G), located in coding exon 10 of the BRCA2 gene, results from a T to G substitution at nucleotide position 3784. The serine at codon 1262 is replaced by alanine, an amino acid with similar properties. This amino acid position is conserved. In addition, this alteration is predicted to be tolerated by in silico analysis. Based on the available evidence, the clinical significance of this variant remains unclear.

University of Washington Department of Laboratory Medicine, University of Washington
Classification: Likely benign for Hereditary cancer-predisposing syndrome. Last evaluated: 2023-03-23. Review status: criteria provided, single submitter. Criteria: Dines et al. (Genet Med. 2020). Collection method: curation. Allele origin: germline.
Comment: Missense variant in a coldspot region where missense variants are very unlikely to be pathogenic (PMID:31911673).

BRCA2 exon 11 coldspot. Reclassification based on statistical prior probability.

Women's Health and Genetics/Laboratory Corporation of America, LabCorp
Classification: Uncertain significance. Last evaluated: 2021-01-07. Review status: criteria provided, single submitter. Criteria: LabCorp Variant Classification Summary - May 2015. Collection method: clinical testing. Allele origin: germline.
Comment: Variant summary: BRCA2 c.3784T>G (p.Ser1262Ala) results in a conservative amino acid change in the encoded protein sequence. Five of five in-silico tools predict a benign effect of the variant on protein function. The variant was absent in 242678 control chromosomes. The available data on variant occurrences in the general population are insufficient to allow any conclusion about variant significance. To our knowledge, no occurrence of c.3784T>G in individuals affected with Hereditary Breast And Ovarian Cancer Syndrome and no experimental evidence demonstrating its impact on protein function have been reported. No clinical diagnostic laboratories have submitted clinical-significance assessments for this variant to ClinVar after 2014. Based on the evidence outlined above, the variant was classified as uncertain significance.

NM_000059.4(BRCA2):c.3784T>G (p.Ser1262Ala)

Gene: BRCA2 (BRCA2 DNA repair associated; plus strand). Cytogenetic location: 13q13.1.
Variant type: single nucleotide variant.
Coding change: c.3784T>G on transcript NM_000059.4 (MANE Select); coding-DNA position 3784, T replaced by G.
Protein change: p.Ser1262Ala; replaces serine 1262 with alanine.
Molecular consequence: missense variant.
Genome position (GRCh38, 1-based): chr13:32,338,139, T>G. VCF-style: chr13-32338139-T-G. GRCh37 (hg19) VCF-style: chr13-32912276-T-G.
Other names: short protein forms S1262A.
Identifiers: ClinVar variation 996218 (VCV000996218.4), dbSNP rs2072488451, ClinGen allele CA387778342.